The following is an entry in ClinVar:

NM_004172.5(SLC1A3):c.1511A>G (p.Asn504Ser)

Genes: SLC1A3 (solute carrier family 1 member 3; plus strand), SLC1A3-AS1 (SLC1A3 antisense RNA 1; minus strand). Cytogenetic location: 5p13.2.
Variant type: single nucleotide variant.
Coding change: c.1511A>G on transcript NM_004172.5 (MANE Select); coding-DNA position 1511, A replaced by G.
Protein change: p.Asn504Ser; replaces asparagine 504 with serine.
Molecular consequence: missense variant.
Genome position (GRCh38, 1-based): chr5:36,686,151, A>G. VCF-style: chr5-36686151-A-G. GRCh37 (hg19) VCF-style: chr5-36686253-A-G.
Other names: c.1376A>G, p.Asn459Ser (NM_001166695.3); c.1373A>G, p.Asn458Ser (NM_001289939.2); c.1175A>G, p.Asn392Ser (NM_001289940.2); short protein forms N392S, N458S, N459S, N504S.
Identifiers: ClinVar variation 1943713 (VCV001943713.5), dbSNP rs768168646, ClinGen allele CA3235697.

ClinVar aggregate classification (germline): Uncertain significance (1 of 4 stars; one submission).

Allele frequency attached by ClinVar (database versions not stated): ExAC 0.00001.

Submission:

Labcorp Genetics (formerly Invitae), Labcorp
Classification: Uncertain significance. Last evaluated: 2024-03-14. Review status: criteria provided, single submitter. Criteria: Invitae Variant Classification Sherloc (09022015). Collection method: clinical testing. Allele origin: germline.
Comment: This sequence change replaces asparagine, which is neutral and polar, with serine, which is neutral and polar, at codon 504 of the SLC1A3 protein (p.Asn504Ser). This variant is present in population databases (rs768168646, gnomAD 0.003%). This variant has not been reported in the literature in individuals affected with SLC1A3-related conditions. ClinVar contains an entry for this variant (Variation ID: 1943713). Algorithms developed to predict the effect of missense changes on protein structure and function output the following: SIFT: "Not Available"; PolyPhen-2: "Benign"; Align-GVGD: "Not Available". The serine amino acid residue is found in multiple mammalian species, which suggests that this missense change does not adversely affect protein function. In summary, the available evidence is currently insufficient to determine the role of this variant in disease. Therefore, it has been classified as a Variant of Uncertain Significance.